The following is an entry in ClinVar:

NM_016151.4(TAOK2):c.2773G>A (p.Asp925Asn)

Gene: TAOK2 (TAO kinase 2; plus strand). Cytogenetic location: 16p11.2.
Variant type: single nucleotide variant.
Coding change: c.2773G>A on transcript NM_016151.4 (MANE Select); coding-DNA position 2773, G replaced by A.
Protein change: p.Asp925Asn; replaces aspartic acid 925 with asparagine.
Molecular consequence: missense variant. On other transcripts: intron variant (1).
Genome position (GRCh38, 1-based): chr16:29,987,045, G>A. VCF-style: chr16-29987045-G-A. GRCh37 (hg19) VCF-style: chr16-29998366-G-A.
Other names: c.2434G>A, p.Asp812Asn (NM_001252043.2); c.2232+541G>A (NM_004783.4); short protein forms D925N, D812N.
Identifiers: ClinVar variation 1403871 (VCV001403871.6), dbSNP rs867958493, ClinGen allele CA280399187.

ClinVar aggregate classification (germline): Uncertain significance (1 of 4 stars; one submission).

Allele frequency attached by ClinVar (database versions not stated): gnomAD exomes below 0.00001.

Submission:

Labcorp Genetics (formerly Invitae), Labcorp
Classification: Uncertain significance. Last evaluated: 2022-07-05. Review status: criteria provided, single submitter. Criteria: Invitae Variant Classification Sherloc (09022015). Collection method: clinical testing. Allele origin: germline.
Comment: In summary, the available evidence is currently insufficient to determine the role of this variant in disease. Therefore, it has been classified as a Variant of Uncertain Significance. Algorithms developed to predict the effect of missense changes on protein structure and function (SIFT, PolyPhen-2, Align-GVGD) all suggest that this variant is likely to be tolerated. ClinVar contains an entry for this variant (Variation ID: 1403871). This variant has not been reported in the literature in individuals affected with TAOK2-related conditions. This variant is not present in population databases (gnomAD no frequency). This sequence change replaces aspartic acid, which is acidic and polar, with asparagine, which is neutral and polar, at codon 925 of the TAOK2 protein (p.Asp925Asn).